The following is an entry in ClinVar:

NM_000143.4(FH):c.779C>G (p.Thr260Arg)

Gene: FH (fumarate hydratase; minus strand). Cytogenetic location: 1q43.
Variant type: single nucleotide variant.
Coding change: c.779C>G on transcript NM_000143.4 (MANE Select); coding-DNA position 779, C replaced by G.
Protein change: p.Thr260Arg; replaces threonine 260 with arginine.
Molecular consequence: missense variant.
Genome position (GRCh38, 1-based): chr1:241,506,128, G>C on the plus strand (C>G on the coding strand, the complement: FH is on the minus strand). VCF-style: chr1-241506128-G-C. GRCh37 (hg19) VCF-style: chr1-241669428-G-C.
Other names: short protein forms T260R.
Identifiers: ClinVar variation 1431383 (VCV001431383.8), dbSNP rs1659924700, ClinGen allele CA345439038.

ClinVar aggregate classification (germline): Uncertain significance (1 of 4 stars; one submission).

Submission:

Labcorp Genetics (formerly Invitae), Labcorp
Classification: Uncertain significance. Last evaluated: 2021-04-23. Review status: criteria provided, single submitter. Criteria: Invitae Variant Classification Sherloc (09022015). Collection method: clinical testing. Allele origin: germline.
Comment: In summary, the available evidence is currently insufficient to determine the role of this variant in disease. Therefore, it has been classified as a Variant of Uncertain Significance. Advanced modeling of protein sequence and biophysical properties (such as structural, functional, and spatial information, amino acid conservation, physicochemical variation, residue mobility, and thermodynamic stability) performed at Invitae indicates that this missense variant is not expected to disrupt FH protein function. This variant has not been reported in the literature in individuals with FH-related conditions. This variant is not present in population databases (ExAC no frequency). This sequence change replaces threonine with arginine at codon 260 of the FH protein (p.Thr260Arg). The threonine residue is weakly conserved and there is a moderate physicochemical difference between threonine and arginine.